The following is an entry in ClinVar:

NM_001165963.4(SCN1A):c.493T>C (p.Tyr165His)

Gene: SCN1A (sodium voltage-gated channel alpha subunit 1; minus strand). Cytogenetic location: 2q24.3.
Variant type: single nucleotide variant.
Coding change: c.493T>C on transcript NM_001165963.4 (MANE Select); coding-DNA position 493, T replaced by C.
Protein change: p.Tyr165His; replaces tyrosine 165 with histidine.
Molecular consequence: missense variant. On other transcripts: 5 prime UTR variant (1), non-coding transcript variant (1).
Genome position (GRCh38, 1-based): chr2:166,054,747, A>G on the plus strand (T>C on the coding strand, the complement: SCN1A is on the minus strand). VCF-style: chr2-166054747-A-G. GRCh37 (hg19) VCF-style: chr2-166911257-A-G.
Other names: c.493T>C, p.Tyr165His (NM_001165964.3, NM_001202435.3, NM_001353948.2 and 10 more transcripts); c.-1933T>C (NM_001353961.2); short protein forms Y165H.
Identifiers: ClinVar variation 495270 (VCV000495270.8), dbSNP rs1553551493, ClinGen allele CA349075669.

ClinVar aggregate classification (germline): Pathogenic/Likely pathogenic. Review status: criteria provided, multiple submitters, no conflicts (2 of 4 stars). 3 submissions from 3 submitters: Pathogenic (1); Likely pathogenic (2). Last evaluated 2025-07-14.

Conditions:
Developmental and epileptic encephalopathy 6B. Also called: Developmental and epileptic encephalopathy 6B, non-Dravet. Identifiers: MedGen C5543353, MONDO:0030268, OMIM 619317.
Early-infantile DEE. Also called: Ohtahara syndrome; Early infantile epileptic encephalopathy; Early infantile epileptic encephalopathy with suppression bursts. Identifiers: Orphanet 1934, MedGen C0393706, MONDO:0800491.
Severe myoclonic epilepsy in infancy (DRVT). Also called: Epileptic encephalopathy, early infantile, 6 (Dravet syndrome); SEVERE MYOCLONIC EPILEPSY OF INFANCY; DEVELOPMENTAL AND EPILEPTIC ENCEPHALOPATHY 6A; Severe Myoclonic Epilepsy in Infancy (SMEI); Dravet syndrome. Identifiers: Orphanet 33069, MedGen C0751122, MONDO:0100135, OMIM 607208.

Submissions (3):

Labcorp Genetics (formerly Invitae), Labcorp
Classification: Pathogenic for Early-infantile DEE. Last evaluated: 2025-07-14. Review status: criteria provided, single submitter. Criteria: Invitae Variant Classification Sherloc (09022015). Collection method: clinical testing. Allele origin: germline.
Comment: This sequence change replaces tyrosine, which is neutral and polar, with histidine, which is basic and polar, at codon 165 of the SCN1A protein (p.Tyr165His). This variant is not present in population databases (gnomAD no frequency). This missense change has been observed in individual(s) with clinical features of SCN1A-related conditions and/or generalized epilepsy with febrile seizures, plus (PMID: 31780880, 35571373). In at least one individual the variant was observed to be de novo. ClinVar contains an entry for this variant (Variation ID: 495270). Invitae Evidence Modeling of protein sequence and biophysical properties (such as structural, functional, and spatial information, amino acid conservation, physicochemical variation, residue mobility, and thermodynamic stability) indicates that this missense variant is expected to disrupt SCN1A protein function with a positive predictive value of 95%. For these reasons, this variant has been classified as Pathogenic.

NeuroMeGen, Hospital Clinico Santiago de Compostela
Classification: Likely pathogenic for Severe myoclonic epilepsy in infancy. Last evaluated: 2018-01-01. Review status: criteria provided, single submitter. Criteria: ACMG Guidelines, 2015. Collection method: clinical testing. Allele origin: unknown. Affected: yes. Observed: 1 heterozygote.

Neuberg Centre For Genomic Medicine, NCGM
Classification: Likely pathogenic for Developmental and epileptic encephalopathy 6B. Review status: criteria provided, single submitter. Criteria: ACMG Guidelines, 2015. Collection method: clinical testing. Allele origin: germline. Inheritance: Autosomal dominant inheritance. Affected: yes.

Literature cited by the submitters: PubMed 31780880 (cited by Labcorp Genetics (formerly Invitae), Labcorp); PubMed 35571373 (cited by Labcorp Genetics (formerly Invitae), Labcorp).